The following is an entry in ClinVar:

ClinVar aggregate classification (germline): Uncertain significance (1 of 4 stars; one submission).

Conditions:
Chuvash polycythemia. Also called: POLYCYTHEMIA, VHL-DEPENDENT. Identifiers: Orphanet 238557, MedGen C1837915, MONDO:0009892, OMIM 263400.
Von Hippel-Lindau syndrome (VHLS). Also called: VHL syndrome; von Hippel–Lindau syndrome; Von Hippel-Lindau. Identifiers: Orphanet 892, MedGen C0019562, MONDO:0008667, OMIM 193300. Disease mechanism: loss of function.

Submission:

Labcorp Genetics (formerly Invitae), Labcorp
Classification: Uncertain significance for Von Hippel-Lindau syndrome; Erythrocytosis, familial, 2. Last evaluated: 2019-11-27. Review status: criteria provided, single submitter. Criteria: Invitae Variant Classification Sherloc (09022015). Collection method: clinical testing. Allele origin: germline.
Comment: This sequence change replaces alanine with glycine at codon 122 of the VHL protein (p.Ala122Gly). The alanine residue is highly conserved and there is a small physicochemical difference between alanine and glycine. This variant is not present in population databases (ExAC no frequency). This variant has not been reported in the literature in individuals with VHL-related conditions. Algorithms developed to predict the effect of missense changes on protein structure and function are either unavailable or do not agree on the potential impact of this missense change (SIFT: "Tolerated"; PolyPhen-2: "Probably Damaging"; Align-GVGD: "Class C0"). In summary, the available evidence is currently insufficient to determine the role of this variant in disease. Therefore, it has been classified as a Variant of Uncertain Significance.

NM_000551.4(VHL):c.365C>G (p.Ala122Gly)

Genes: VHL (von Hippel-Lindau tumor suppressor; plus strand), LOC107303340 (3p25 von Hippel-Lindau tumor suppressor, E3 ubiquitin protein ligase Alu-mediated recombination region; plus strand). Cytogenetic location: 3p25.3.
Variant type: single nucleotide variant.
Coding change: c.365C>G on transcript NM_000551.4 (MANE Select); coding-DNA position 365, C replaced by G.
Protein change: p.Ala122Gly; replaces alanine 122 with glycine.
Molecular consequence: missense variant. On other transcripts: intron variant (2).
Genome position (GRCh38, 1-based): chr3:10,146,538, C>G. VCF-style: chr3-10146538-C-G. GRCh37 (hg19) VCF-style: chr3-10188222-C-G.
Other names: c.*18-3249C>G (NM_001354723.2); c.341-3249C>G (NM_198156.3); short protein forms A122G.
Identifiers: ClinVar variation 861319 (VCV000861319.1), dbSNP rs1696261924, ClinGen allele CA351753773.